The following is an entry in ClinVar:

NM_020041.3(SLC2A9):c.713T>C (p.Ile238Thr)

Gene: SLC2A9 (solute carrier family 2 member 9; minus strand). Cytogenetic location: 4p16.1.
Variant type: single nucleotide variant.
Coding change: c.713T>C on transcript NM_020041.3 (MANE Select); coding-DNA position 713, T replaced by C.
Protein change: p.Ile238Thr; replaces isoleucine 238 with threonine.
Molecular consequence: missense variant.
Genome position (GRCh38, 1-based): chr4:9,942,014, A>G on the plus strand (T>C on the coding strand, the complement: SLC2A9 is on the minus strand). VCF-style: chr4-9942014-A-G. GRCh37 (hg19) VCF-style: chr4-9943638-A-G.
Other names: c.626T>C, p.Ile209Thr (NM_001001290.2); short protein forms I238T, I209T.
Identifiers: ClinVar variation 1046785 (VCV001046785.9), dbSNP rs892685937, ClinGen allele CA92189468.

ClinVar aggregate classification (germline): Uncertain significance (1 of 4 stars; one submission).

Allele frequency attached by ClinVar (database versions not stated): gnomAD exomes 0.00001 and 0.00006; TOPMed 0.00002; gnomAD 0.00004.
gnomAD v4.1: 100 of 1,614,022 alleles (0.0062%); highest among the groups gnomAD compares: Middle Eastern, 0.016%; no homozygotes.

Submission:

Labcorp Genetics (formerly Invitae), Labcorp
Classification: Uncertain significance. Last evaluated: 2024-05-29. Review status: criteria provided, single submitter. Criteria: Invitae Variant Classification Sherloc (09022015). Collection method: clinical testing. Allele origin: germline.
Comment: This sequence change replaces isoleucine, which is neutral and non-polar, with threonine, which is neutral and polar, at codon 238 of the SLC2A9 protein (p.Ile238Thr). This variant is present in population databases (no rsID available, gnomAD 0.004%). This variant has not been reported in the literature in individuals affected with SLC2A9-related conditions. ClinVar contains an entry for this variant (Variation ID: 1046785). An algorithm developed to predict the effect of missense changes on protein structure and function (PolyPhen-2) suggests that this variant is likely to be disruptive. In summary, the available evidence is currently insufficient to determine the role of this variant in disease. Therefore, it has been classified as a Variant of Uncertain Significance.